The following is an entry in ClinVar:

NM_001365536.1(SCN9A):c.2240A>T (p.Asp747Val)

Genes: SCN9A (sodium voltage-gated channel alpha subunit 9; minus strand), SCN1A-AS1 (SCN1A and SCN9A antisense RNA 1; plus strand). Cytogenetic location: 2q24.3.
Variant type: single nucleotide variant.
Coding change: c.2240A>T on transcript NM_001365536.1 (MANE Select); coding-DNA position 2240, A replaced by T.
Protein change: p.Asp747Val; replaces aspartic acid 747 with valine.
Molecular consequence: missense variant.
Genome position (GRCh38, 1-based): chr2:166,280,460, T>A on the plus strand (A>T on the coding strand, the complement: SCN9A is on the minus strand). VCF-style: chr2-166280460-T-A. GRCh37 (hg19) VCF-style: chr2-167136970-T-A.
Other names: c.2207A>T, p.Asp736Val (NM_002977.4); short protein forms D736V, D747V.
Identifiers: ClinVar variation 893844 (VCV000893844.11), dbSNP rs201744417, ClinGen allele CA59796647.
Genomic context (GRCh38, chr2:166,280,460, plus strand): 5'-GGGTGGTGTTCCATAGCCATAAATAATGTGTTTAAAACTATGCAAATGGTAATTGCAAGA[T>A]CTACAAAAGGATCCATTACAATAAAATAGATACACTTTTTGAATTTTATCCAATATGGAG-3'
Protein context (NP_001352465.1, residues 737-757): IYFIVMDPFV[Asp747Val]LAITICIVLN

ClinVar aggregate classification (germline): Uncertain significance. Review status: criteria provided, multiple submitters, no conflicts (2 of 4 stars). 4 submissions from 2 submitters: Uncertain significance (4). Last evaluated 2024-05-08.

Conditions:
Paroxysmal extreme pain disorder (PEXPD). Also called: PAIN, SUBMANDIBULAR, OCULAR, AND RECTAL, WITH FLUSHING; RECTAL PAIN, FAMILIAL; SCN9A Paroxysmal Extreme Pain Disorder (SCN9A-PEPD). Identifiers: Orphanet 46348, MedGen C1833661, MONDO:0008179, OMIM 167400.
Channelopathy-associated congenital insensitivity to pain, autosomal recessive. Also called: Insensitivity to pain, channelopathy-associated; ASYMBOLIA FOR PAIN; CONGENITAL ANALGESIA, AUTOSOMAL RECESSIVE. Identifiers: Orphanet 88642, Orphanet 970, MedGen C1855739, MONDO:0009459, OMIM 243000.
Neuropathy, hereditary sensory and autonomic, type 2A (HSAN2A). Also called: MORVAN DISEASE; NEUROPATHY, CONGENITAL SENSORY; NEUROPATHY, HEREDITARY SENSORY RADICULAR, AUTOSOMAL RECESSIVE; NEUROPATHY, HEREDITARY SENSORY, TYPE IIA; NEUROPATHY, PROGRESSIVE SENSORY, OF CHILDREN; HSAN IIA. Identifiers: Orphanet 970, MedGen C2752089, MONDO:0024309, OMIM 201300.
Generalized epilepsy with febrile seizures plus, type 7 (GEFSP7). Also called: GEFS+, TYPE 7. Identifiers: Orphanet 36387, MedGen C2751778, MONDO:0013470, OMIM 613863.
Primary erythromelalgia. Also called: SCN9A Erythromelalgia (SCN9A-EM); primary erythermalgia. Identifiers: Orphanet 306577, Orphanet 90026, MedGen C0014805, MONDO:0007571, OMIM 133020.

gnomAD v4.1: 18 of 1,587,924 alleles (0.0011%); highest among the groups gnomAD compares: Non-Finnish European, 0.0014%; no homozygotes.

Submissions (4):

Labcorp Genetics (formerly Invitae), Labcorp
Classification: Uncertain significance for Neuropathy, hereditary sensory and autonomic, type 2A; Generalized epilepsy with febrile seizures plus, type 7. Last evaluated: 2024-05-08. Review status: criteria provided, single submitter. Criteria: Invitae Variant Classification Sherloc (09022015). Collection method: clinical testing. Allele origin: germline.
Comment: This sequence change replaces aspartic acid, which is acidic and polar, with valine, which is neutral and non-polar, at codon 736 of the SCN9A protein (p.Asp736Val). This variant is not present in population databases (gnomAD no frequency). This variant has not been reported in the literature in individuals affected with SCN9A-related conditions. ClinVar contains an entry for this variant (Variation ID: 893844). Advanced modeling of protein sequence and biophysical properties (such as structural, functional, and spatial information, amino acid conservation, physicochemical variation, residue mobility, and thermodynamic stability) has been performed at Invitae for this missense variant, however the output from this modeling did not meet the statistical confidence thresholds required to predict the impact of this variant on SCN9A protein function. In summary, the available evidence is currently insufficient to determine the role of this variant in disease. Therefore, it has been classified as a Variant of Uncertain Significance.

Illumina Laboratory Services, Illumina
Classification: Uncertain significance for Paroxysmal extreme pain disorder. Last evaluated: 2018-01-13. Review status: criteria provided, single submitter. Criteria: ICSL Variant Classification Criteria 13 December 2019. Collection method: clinical testing. Allele origin: germline.

Illumina Laboratory Services, Illumina
Classification: Uncertain significance for Channelopathy-associated congenital insensitivity to pain, autosomal recessive. Last evaluated: 2018-01-13. Review status: criteria provided, single submitter. Criteria: ICSL Variant Classification Criteria 13 December 2019. Collection method: clinical testing. Allele origin: germline.

Illumina Laboratory Services, Illumina
Classification: Uncertain significance for Primary erythromelalgia. Last evaluated: 2018-01-13. Review status: criteria provided, single submitter. Criteria: ICSL Variant Classification Criteria 13 December 2019. Collection method: clinical testing. Allele origin: germline.